The following is an entry in ClinVar:

NM_002439.5(MSH3):c.2741T>G (p.Ile914Ser)

Gene: MSH3 (mutS homolog 3; plus strand). Cytogenetic location: 5q14.1.
Variant type: single nucleotide variant.
Coding change: c.2741T>G on transcript NM_002439.5 (MANE Select); coding-DNA position 2741, T replaced by G.
Protein change: p.Ile914Ser; replaces isoleucine 914 with serine.
Molecular consequence: missense variant.
Genome position (GRCh38, 1-based): chr5:80,813,669, T>G. VCF-style: chr5-80813669-T-G. GRCh37 (hg19) VCF-style: chr5-80109488-T-G.
Other names: short protein forms I914S.
Identifiers: ClinVar variation 1716495 (VCV001716495.5), dbSNP rs757861627, ClinGen allele CA360273982.

ClinVar aggregate classification (germline): Uncertain significance (1 of 4 stars; one submission).

Submission:

Labcorp Genetics (formerly Invitae), Labcorp
Classification: Uncertain significance. Last evaluated: 2022-08-16. Review status: criteria provided, single submitter. Criteria: Invitae Variant Classification Sherloc (09022015). Collection method: clinical testing. Allele origin: germline.
Comment: This sequence change replaces isoleucine, which is neutral and non-polar, with serine, which is neutral and polar, at codon 914 of the MSH3 protein (p.Ile914Ser). This variant is not present in population databases (gnomAD no frequency). In summary, the available evidence is currently insufficient to determine the role of this variant in disease. Therefore, it has been classified as a Variant of Uncertain Significance. This variant has not been reported in the literature in individuals affected with MSH3-related conditions. Algorithms developed to predict the effect of missense changes on protein structure and function are either unavailable or do not agree on the potential impact of this missense change (SIFT: "Deleterious"; PolyPhen-2: "Probably Damaging"; Align-GVGD: "Class C0").